The following is an entry in ClinVar:

NM_003742.4(ABCB11):c.3130G>C (p.Ala1044Pro)

Gene: ABCB11 (ATP binding cassette subfamily B member 11; minus strand). Cytogenetic location: 2q31.1.
Variant type: single nucleotide variant.
Coding change: c.3130G>C on transcript NM_003742.4 (MANE Select); coding-DNA position 3130, G replaced by C.
Protein change: p.Ala1044Pro; replaces alanine 1044 with proline.
Molecular consequence: missense variant.
Genome position (GRCh38, 1-based): chr2:168,932,460, C>G on the plus strand (G>C on the coding strand, the complement: ABCB11 is on the minus strand). VCF-style: chr2-168932460-C-G. GRCh37 (hg19) VCF-style: chr2-169788970-C-G.
Other names: c.3130G>C (NM_003742.2); c.3130G>C, p.Ala1044Pro (LRG_1199t1); short protein forms A1044P.
Identifiers: ClinVar variation 594932 (VCV000594932.7), dbSNP rs926040478, ClinGen allele CA59873274.

ClinVar aggregate classification (germline): Uncertain significance. Review status: criteria provided, multiple submitters, no conflicts (2 of 4 stars). 3 submissions from 3 submitters: Uncertain significance (3). Last evaluated 2026-05-24.

Conditions:
Familial intrahepatic cholestasis. Identifiers: Orphanet 284385, MedGen CN296401, MONDO:0017290.
ABCB11-related disorder. Also called: ABCB11-related condition.

Allele frequency attached by ClinVar (database versions not stated): TOPMed 0.00001.

Submissions (3):

PreventionGenetics, part of Exact Sciences
Classification: Uncertain significance for ABCB11-related condition. Last evaluated: 2026-05-24. Review status: criteria provided, single submitter. Criteria: ACMG Guidelines, 2015. Collection method: clinical testing. Allele origin: germline.
Comment: The ABCB11 c.3130G>C variant is predicted to result in the amino acid substitution p.Ala1044Pro. This variant has been reported in an individual with progressive familial intrahepatic cholestasis (Kubitz et al. 2012. PubMed ID: 22795478) and in an individual from a cohort study of patients with cholestasis (Table S2, Dröge et al. 2017. PubMed ID: 28733223). This variant has not been reported in a large population database (gnomAD), indicating this variant is rare. At this time, the clinical significance of this variant is uncertain due to the absence of conclusive functional and genetic evidence.

Genomenon, Inc
Classification: Uncertain significance for Familial intrahepatic cholestasis. Last evaluated: 2026-04-14. Review status: criteria provided, single submitter. Criteria: Genomenon Sequence Variant Interpretation Standards - Updated. Collection method: curation. Allele origin: germline. Affected: yes.
Comment: ABCB11 p.Ala1044Pro (c.3130G>C) is a missense variant that changes the amino acid at residue 1044 from Alanine to Proline. This variant has been observed in at least one proband with an ABCB11-related disorder (PMID:28733223). It is absent or not present at a significant frequency in gnomAD. In silico models predict that this variant is possibly or probably damaging. In conclusion, we classify ABCB11 p.Ala1044Pro (c.3130G>C) as a variant of uncertain significance.

Eurofins Ntd Llc (ga)
Classification: Uncertain significance. Last evaluated: 2017-11-09. Review status: criteria provided, single submitter. Criteria: EGL Classification Definitions 2015. Collection method: clinical testing. Allele origin: germline. Observed: 1 variant allele, 1 homozygote.

Literature cited by the submitters: PubMed 28733223 (cited by Genomenon, Inc).